The following is an entry in ClinVar:

ClinVar aggregate classification (germline): Uncertain significance. Review status: criteria provided, multiple submitters, no conflicts (2 of 4 stars). 2 submissions from 2 submitters: Uncertain significance (2). Last evaluated 2025-05-07.

Conditions:
Charcot-Marie-Tooth disease type 2. Also called: Charcot-Marie-Tooth type 2. Identifiers: Orphanet 64746, MedGen C0270914, MONDO:0018993.
Inborn genetic diseases. Identifiers: MedGen C0950123, MeSH D030342.

Allele frequency attached by ClinVar (database versions not stated): ExAC 0.00001; gnomAD 0.00002 and 0.00001; TOPMed 0.00001; gnomAD exomes 0.00002; 1000 Genomes Project 0.00020; 1000 Genomes Project 30x 0.00016.
gnomAD v4.1: 34 of 1,614,028 alleles (0.0021%); highest among the groups gnomAD compares: East Asian, 0.0045%; no homozygotes.

Submissions (2):

Ambry Genetics
Classification: Uncertain significance for Inborn genetic diseases. Last evaluated: 2025-05-07. Review status: criteria provided, single submitter. Criteria: Ambry Variant Classification Scheme 2023. Collection method: clinical testing. Allele origin: germline.

Labcorp Genetics (formerly Invitae), Labcorp
Classification: Uncertain significance for Charcot-Marie-Tooth disease type 2. Last evaluated: 2022-07-30. Review status: criteria provided, single submitter. Criteria: Invitae Variant Classification Sherloc (09022015). Collection method: clinical testing. Allele origin: germline.
Comment: This variant has not been reported in the literature in individuals affected with MED25-related conditions. This sequence change replaces serine, which is neutral and polar, with leucine, which is neutral and non-polar, at codon 304 of the MED25 protein (p.Ser304Leu). This variant is present in population databases (rs546822136, gnomAD 0.003%). ClinVar contains an entry for this variant (Variation ID: 840688). Algorithms developed to predict the effect of missense changes on protein structure and function are either unavailable or do not agree on the potential impact of this missense change (SIFT: "Deleterious"; PolyPhen-2: "Benign"; Align-GVGD: "Class C0"). In summary, the available evidence is currently insufficient to determine the role of this variant in disease. Therefore, it has been classified as a Variant of Uncertain Significance.

NM_030973.4(MED25):c.911C>T (p.Ser304Leu)

Gene: MED25 (mediator complex subunit 25; plus strand). Cytogenetic location: 19q13.33.
Variant type: single nucleotide variant.
Coding change: c.911C>T on transcript NM_030973.4 (MANE Select); coding-DNA position 911, C replaced by T.
Protein change: p.Ser304Leu; replaces serine 304 with leucine.
Molecular consequence: missense variant.
Genome position (GRCh38, 1-based): chr19:49,830,697, C>T. VCF-style: chr19-49830697-C-T. GRCh37 (hg19) VCF-style: chr19-50333954-C-T.
Other names: c.911C>T, p.Ser304Leu (NM_001378355.1); short protein forms S304L.
Identifiers: ClinVar variation 840688 (VCV000840688.11), dbSNP rs546822136, ClinGen allele CA9585091.
Genomic context (GRCh38, chr19:49,830,697, plus strand): 5'-AGGCAGGCCTCTCTCCACACACTTGTTCCCCACTTCTTCCCTTGGTCTCTCCCACAGTCT[C>T]GCCCATCACCCCTCTCCAACAAGCTGCTCCCGGAGTGGGTCCCCCCTTCAGCCAGGCCCC-3'
Protein context (NP_112235.2, residues 294-314): NQKAGLGPRF[Ser304Leu]PITPLQQAAP